The following is an entry in ClinVar:

NM_031935.3(HMCN1):c.7279G>A (p.Val2427Ile)

Gene: HMCN1 (hemicentin 1; plus strand). Cytogenetic location: 1q31.1.
Variant type: single nucleotide variant.
Coding change: c.7279G>A on transcript NM_031935.3 (MANE Select); coding-DNA position 7279, G replaced by A.
Protein change: p.Val2427Ile; replaces valine 2427 with isoleucine.
Molecular consequence: missense variant.
Genome position (GRCh38, 1-based): chr1:186,057,368, G>A. VCF-style: chr1-186057368-G-A. GRCh37 (hg19) VCF-style: chr1-186026500-G-A.
Other names: short protein forms V2427I.
Identifiers: ClinVar variation 4698909 (VCV004698909.1).
Genomic context (GRCh38, chr1:186,057,368, plus strand): 5'-ACTTGTGAAGCTTCTGGAATTCCCCTGCCTTCCATAACCTGGTTCAAAGATGGGTGGCCT[G>A]TCAGCCTTAGCAATTCTGTGAGGATTCTTTCAGGTATTAGAAATTCTGGTAGCCTTATAA-3'
Protein context (NP_114141.2, residues 2417-2437): SITWFKDGWP[Val2427Ile]SLSNSVRILS

ClinVar aggregate classification (germline): Uncertain significance (1 of 4 stars; one submission).

gnomAD v4.1: 3 of 1,610,822 alleles (0.00019%); highest among the groups gnomAD compares: East Asian, 0.0045%; no homozygotes.

Submission:

Labcorp Genetics (formerly Invitae), Labcorp
Classification: Uncertain significance. Last evaluated: 2025-05-17. Review status: criteria provided, single submitter. Criteria: Invitae Variant Classification Sherloc (09022015). Collection method: clinical testing. Allele origin: germline.
Comment: This sequence change replaces valine, which is neutral and non-polar, with isoleucine, which is neutral and non-polar, at codon 2427 of the HMCN1 protein (p.Val2427Ile). This variant is present in population databases (rs764921432, gnomAD 0.01%). This variant has not been reported in the literature in individuals affected with HMCN1-related conditions. An algorithm developed to predict the effect of missense changes on protein structure and function outputs the following: PolyPhen-2: "Benign". The isoleucine amino acid residue is found in multiple mammalian species, which suggests that this missense change does not adversely affect protein function. In summary, the available evidence is currently insufficient to determine the role of this variant in disease. Therefore, it has been classified as a Variant of Uncertain Significance.